The following is an entry in ClinVar:

NM_001042492.3(NF1):c.7151_7152insA (p.Ser2384_Asn2385insTer)

Gene: NF1 (neurofibromin 1; plus strand). Cytogenetic location: 17q11.2.
Variant type: Insertion.
Coding change: c.7151_7152insA on transcript NM_001042492.3 (MANE Select); coding-DNA positions 7151 to 7152, A inserted.
Protein change: p.Ser2384_Asn2385insTer.
Molecular consequence: frameshift variant. On other transcripts: nonsense (1).
Genome position: GRCh38 VCF-style: chr17-31343097-C-CA. GRCh37 (hg19) VCF-style: chr17-29670115-C-CA.
Other names: c.7088_7089insA, p.Asn2364Terfs (NM_000267.4).
Identifiers: ClinVar variation 950706 (VCV000950706.6), dbSNP rs2069868919, ClinGen allele CA1139665466.

ClinVar aggregate classification (germline): Pathogenic (1 of 4 stars; one submission).

Conditions:
Neurofibromatosis, type 1 (NF1). Also called: VON RECKLINGHAUSEN DISEASE; NEUROFIBROMATOSIS, TYPE I, SOMATIC; Peripheral type neurofibromatosis; Neurofibromatosis, type I. Identifiers: Orphanet 636, MedGen C0027831, MONDO:0018975, OMIM 162200. Disease mechanism: loss of function.

Submission:

Labcorp Genetics (formerly Invitae), Labcorp
Classification: Pathogenic for Neurofibromatosis, type 1. Last evaluated: 2022-11-15. Review status: criteria provided, single submitter. Criteria: Invitae Variant Classification Sherloc (09022015). Collection method: clinical testing. Allele origin: germline.
Comment: For these reasons, this variant has been classified as Pathogenic. ClinVar contains an entry for this variant (Variation ID: 950706). This premature translational stop signal has been observed in individual(s) with clinical features of neurofibromatosis type 1 (PMID: 23913538). This variant is not present in population databases (gnomAD no frequency). This sequence change creates a premature translational stop signal (p.Asn2364*) in the NF1 gene. It is expected to result in an absent or disrupted protein product. Loss-of-function variants in NF1 are known to be pathogenic (PMID: 10712197, 23913538).

Literature cited by the submitters: PubMed 23913538; PubMed 10712197.